The following is an entry in ClinVar:

NM_000059.4(BRCA2):c.7987G>A (p.Glu2663Lys)

Gene: BRCA2 (BRCA2 DNA repair associated; plus strand). Cytogenetic location: 13q13.1.
Variant type: single nucleotide variant.
Coding change: c.7987G>A on transcript NM_000059.4 (MANE Select); coding-DNA position 7987, G replaced by A.
Protein change: p.Glu2663Lys; replaces glutamic acid 2663 with lysine.
Molecular consequence: missense variant.
Genome position (GRCh38, 1-based): chr13:32,363,189, G>A. VCF-style: chr13-32363189-G-A. GRCh37 (hg19) VCF-style: chr13-32937326-G-A.
Other names: 8215G>A; short protein forms E2663K.
Identifiers: ClinVar variation 52461 (VCV000052461.32), dbSNP rs80359030, ClinGen allele CA025384.

ClinVar aggregate classification (germline): Pathogenic/Likely pathogenic. Review status: criteria provided, multiple submitters, no conflicts (2 of 4 stars). 11 submissions from 11 submitters: Pathogenic (2); Likely pathogenic (5). 4 of the submissions do not count toward it. Last evaluated 2026-04-13.

Conditions:
Hereditary cancer-predisposing syndrome. Also called: Hereditary neoplastic syndrome; Neoplastic Syndromes, Hereditary; Hereditary Cancer Syndrome; Tumor predisposition. Identifiers: Orphanet 140162, MedGen C0027672, MeSH D009386, MONDO:0015356.
Hereditary breast ovarian cancer syndrome. Also called: Hereditary breast and ovarian cancer; Breast and ovarian cancer; Hereditary breast and ovarian cancer syndrome; BRCA1- and BRCA2-Associated Hereditary Breast and Ovarian Cancer; Hereditary breast and ovarian cancer syndrome (HBOC); Hereditary breast and/or ovarian cancer syndrome. Identifiers: Orphanet 145, MedGen C0677776, MeSH D061325, MONDO:0003582. Disease mechanism: loss of function.
Breast-ovarian cancer, familial, susceptibility to, 2 (BROVCA2). Also called: BRCA2 Hereditary Breast and Ovarian Cancer. Identifiers: Orphanet 145, MedGen C2675520, MONDO:0012933, OMIM 612555. Disease mechanism: loss of function.
Familial cancer of breast. Also called: hereditary breast carcinoma; BREAST CANCER, FAMILIAL; Hereditary breast cancer. Identifiers: Orphanet 227535, MedGen C0346153, MONDO:0016419, OMIM 114480. Disease mechanism: loss of function.
Malignant tumor of breast. Also called: Malignant breast neoplasm; Cancer breast. Identifiers: MedGen C0006142, MONDO:0007254. Disease mechanism: loss of function.

Allele frequency attached by ClinVar (database versions not stated): gnomAD exomes below 0.00001; ExAC 0.00001.

Submissions (11):

Department of Clinical Genetics, Copenhagen University Hospital, Rigshospitalet
Classification: Likely pathogenic for Familial cancer of breast. Last evaluated: 2026-04-13. Review status: criteria provided, single submitter. Criteria: ACMG Guidelines, 2015. Collection method: clinical testing. Allele origin: germline.
Comment: The following ACMG criteria has been used: PM2_SUP (Not reported in gnomAD v.3.1 (non-cancer)); PS3 (PMID:39779848;PMID:39779857;PMID:33609447;PMID:29884841); PP3 (BayesDel no AF: 0.315358)

German Consortium for Hereditary Breast and Ovarian Cancer, University Hospital Cologne
Classification: Likely pathogenic for Hereditary breast ovarian cancer syndrome. Last evaluated: 2025-09-09. Review status: criteria provided, single submitter. Criteria: ClinGen BRCA2 V1.1.0. Collection method: curation. Allele origin: germline.
Comment: 1x in gAD v2 non-cancer (male); This classification follows the ClinGen ENIGMA BRCA2 v1.1.0 classification scheme; We chose these criteria: PS3 (strong pathogenic): Sahu et al. and Huang et al. pathogenic (PMID: PMID: 39779848, 39779857), PM2 (supporting pathogenic): 1x in gAD v2 non-cancer, PP3 (supporting pathogenic): BayesDel no AF: 0.315358

Labcorp Genetics (formerly Invitae), Labcorp
Classification: Likely pathogenic for Hereditary breast ovarian cancer syndrome. Last evaluated: 2025-08-06. Review status: criteria provided, single submitter. Criteria: Invitae Variant Classification Sherloc (09022015). Collection method: clinical testing. Allele origin: germline.
Comment: This sequence change replaces glutamic acid, which is acidic and polar, with lysine, which is basic and polar, at codon 2663 of the BRCA2 protein (p.Glu2663Lys). This variant is present in population databases (rs80359030, gnomAD 0.0009%). This missense change has been observed in individual(s) with breast cancer, ovarian cancer and uterine stromal sarcoma (PMID: 27561088). ClinVar contains an entry for this variant (Variation ID: 52461). Invitae Evidence Modeling incorporating data from in vitro experimental studies (PMID: 33609447) indicates that this missense variant is expected to disrupt BRCA2 function with a positive predictive value of 95%. Experimental studies have shown that this missense change affects BRCA2 function (PMID: 29884841). This variant disrupts the p.Glu2663 amino acid residue in BRCA2. Other variant(s) that disrupt this residue have been determined to be pathogenic (PMID: 16489001, 18451181, 18607349, 28339459). This suggests that this residue is clinically significant, and that variants that disrupt this residue are likely to be disease-causing. In summary, the currently available evidence indicates that the variant is pathogenic, but additional data are needed to prove that conclusively. Therefore, this variant has been classified as Likely Pathogenic.

Center for Genomic Medicine, Rigshospitalet, Copenhagen University Hospital
Classification: Pathogenic. Last evaluated: 2025-03-04. Review status: criteria provided, single submitter. Criteria: ACMG Guidelines, 2015. Collection method: clinical testing. Allele origin: germline.

Revvity Omics, Revvity
Classification: Likely pathogenic. Last evaluated: 2025-03-03. Review status: criteria provided, single submitter. Criteria: ACMG Guidelines, 2015. Collection method: clinical testing. Allele origin: germline.

Ambry Genetics
Classification: Pathogenic for Hereditary cancer-predisposing syndrome. Last evaluated: 2025-02-20. Review status: criteria provided, single submitter. Criteria: Ambry Variant Classification Scheme 2023. Collection method: clinical testing. Allele origin: germline.
Comment: The p.E2663K pathogenic mutation (also known as c.7987G>A), located in coding exon 17 of the BRCA2 gene, results from a G to A substitution at nucleotide position 7987. The glutamic acid at codon 2663 is replaced by lysine, an amino acid with similar properties. This alteration was detected in a patient diagnosed with breast cancer, ovarian cancer, and uterine stromal sarcoma and who had a family history of breast cancer (Miolo G et al. Cancer Biol Ther. 2016 Oct 2;17(10):1017-1021). In addition, this variant segregated with disease in multiple families (Ambry internal data). This variant was non-functional in a homology-directed DNA repair (HDR) assay (Richardson ME et al. Am J Hum Genet, 2021 Mar;108:458-468). This variant is located in the helical domain of the C-terminal DNA binding domain. Based on internal structural analysis, this variant is anticipated to result in a significant decrease in structural stability (Yang H et al. Science, 2002 Sep;297:1837-48). This amino acid position is highly conserved in available vertebrate species. In addition, this alteration is predicted to be deleterious by in silico analysis. Based on the supporting evidence, this variant is interpreted as a disease-causing mutation.

ARUP Laboratories, Molecular Genetics and Genomics, ARUP Laboratories
Classification: Likely pathogenic. Last evaluated: 2020-12-30. Review status: criteria provided, single submitter. Criteria: ARUP Molecular Germline Variant Investigation Process 2021. Collection method: clinical testing. Allele origin: germline.
Comment: The BRCA2 c.7987G>A; p.Glu2663Lys variant (rs80359030) is reported in the literature in at least one individual affected with breast and ovarian cancer (Miolo 2016). This variant is also reported in ClinVar (Variation ID: 52461), and is only observed on one allele in the Genome Aggregation Database, indicating it is not a common polymorphism. The glutamic acid at codon 2663 is highly conserved, and computational analyses predict that this variant is deleterious (REVEL: 0.824). In vitro functional analyses of the variant protein demonstrate reduced homology-directed repair activity (Hart 2019). Additionally, another variants at this codon (c.7988A>T; p.Glu2663Val) has been reported in several families with breast and ovarian cancer and is considered pathogenic (Chenevix-Trench 2006, Rebbeck 2018). Based on available information, the p.Glu2663Lys variant is considered to be likely pathogenic. References: Chenevix-Trench G et al. Genetic and histopathologic evaluation of BRCA1 and BRCA2 DNA sequence variants of unknown clinical significance. Cancer Res. 2006 Feb 15;66(4):2019-27. Hart SN et al. Comprehensive annotation of BRCA1 and BRCA2 missense variants by functionally validated sequence-based computational prediction models. Genet Med. 2019 Jan;21(1):71-80. Miolo et al. Association of the germline BRCA2 missense variation Glu2663Lys with high sensitivity to trabectedin-based treatment in soft tissue sarcoma. Cancer Biol Ther. 2016 Oct 2;17(10):1017-1021. Rebbeck TR et al. Mutational spectrum in a worldwide study of 29,700 families with BRCA1 or BRCA2 mutations. Hum Mutat. 2018 May;39(5):593-620.

Pathway Genomics
Classification: Uncertain significance for Breast-ovarian cancer, familial 2. Last evaluated: 2014-07-24. Review status: no assertion criteria provided. Collection method: clinical testing. Allele origin: germline. Not counted in ClinVar's aggregate classification.

Sharing Clinical Reports Project (SCRP)
Classification: Uncertain significance for Breast-ovarian cancer, familial 2. Last evaluated: 2009-01-13. Review status: no assertion criteria provided. Collection method: clinical testing. Allele origin: germline. Not counted in ClinVar's aggregate classification.

Breast Cancer Information Core (BIC) (BRCA2)
Classification: Uncertain significance for Breast-ovarian cancer, familial 2. Last evaluated: 2004-02-20. Review status: no assertion criteria provided. Collection method: clinical testing. Allele origin: germline. Affected: yes. Observed: 4 variant alleles. Not counted in ClinVar's aggregate classification.

Department of Pathology and Laboratory Medicine, Sinai Health System
Classification: Uncertain significance for Malignant tumor of breast. Review status: no assertion criteria provided. Collection method: clinical testing. Allele origin: unknown. Affected: yes. Observed: 1 variant allele. Study: The Canadian Open Genetics Repository (COGR). Not counted in ClinVar's aggregate classification.
Comment: The BRCA2 p.Glu2663Lys variant was identified in the literature however the frequency of this variant in an affected population was not provided. The variant was identified in germline and in sarcoma tissue of a patient with breast, ovarian and a synchronous poorly differentiated stromal uterine sarcoma (Miolo 2016). The auhors felt that patient obtained a complete metabolic response after only 3 cycles of trabectedin treatment, most likely due to presence of this potentially deleterious mutation and the tumor loss of the wild-type BRCA2 allele. The variant was also identified in dbSNP (ID: rs80359030) as "With Pathogenic, Uncertain significance alleleâ€šÃ„Ã¹, ClinVar (classified as uncertain significance by Ambry Genetics, SCRP, BIC and Pathway Genomics), Clinvitae, LOVD 3.0 (1x predicted deleterious), and BIC (4x unknown clinical importance). The variant was not identified in GeneInsight-COGR, Cosmic, MutDB, UMD-LSDB, ARUP Laboratories, or Zhejiang University databases. The variant was identified in control databases in 1 of 245100 chromosomes at a frequency of 0.000004 (Genome Aggregation Database Feb 27, 2017). The variant was observed in European population in 1 of 111014 chromosomes (freq: 0.00001), while the variant was not observed in the African, Other, Latino, Ashkenazi Jewish, East Asian, Finnish, or South Asian populations. The p.Glu2663 residue is conserved across mammals and other organisms, and four out of five computational analyses (PolyPhen-2, SIFT, AlignGVGD, BLOSUM, MutationTaster) suggest that the variant may impact the protein; however, this information is not predictive enough to assume pathogenicity. The variant occurs outside of the splicing consensus sequence and in silico or computational prediction software programs (SpliceSiteFinder, MaxEntScan, NNSPLICE, GeneSplicer, HumanSpliceFinder) do not predict a difference in splicing. In addition, two studies calculated protein likelihood ratios and results are in favor of protein loss of function due to the variant (Karchin 2008, Miolo 2016). In summary, based on the above information the clinical significance of this variant cannot be determined with certainty at this time. This variant is classified as a variant of uncertain significance.

Literature cited by the submitters: PubMed 39779848 (cited by Department of Clinical Genetics, Copenhagen University Hospital, Rigshospitalet); PubMed 39779857 (cited by Department of Clinical Genetics, Copenhagen University Hospital, Rigshospitalet); PubMed 33609447 (cited by 3 submitters); PubMed 29884841 (cited by 3 submitters); PubMed 27561088 (cited by Labcorp Genetics (formerly Invitae), Labcorp and Center for Genomic Medicine, Rigshospitalet, Copenhagen University Hospital); PubMed 16489001 (cited by Labcorp Genetics (formerly Invitae), Labcorp); PubMed 18451181 (cited by Labcorp Genetics (formerly Invitae), Labcorp); PubMed 18607349 (cited by Labcorp Genetics (formerly Invitae), Labcorp); PubMed 28339459 (cited by Labcorp Genetics (formerly Invitae), Labcorp); PubMed 12228710 (cited by Ambry Genetics); PubMed 19043619 (cited by Pathway Genomics).